The following is an entry in ClinVar:

NM_002968.3(SALL1):c.3856C>T (p.Gln1286Ter)

Gene: SALL1 (spalt like transcription factor 1; minus strand). Cytogenetic location: 16q12.1.
Variant type: single nucleotide variant.
Coding change: c.3856C>T on transcript NM_002968.3 (MANE Select); coding-DNA position 3856, C replaced by T.
Protein change: p.Gln1286Ter; replaces glutamine 1286 with a stop codon.
Molecular consequence: nonsense.
Genome position (GRCh38, 1-based): chr16:51,137,231, G>A on the plus strand (C>T on the coding strand, the complement: SALL1 is on the minus strand). VCF-style: chr16-51137231-G-A. GRCh37 (hg19) VCF-style: chr16-51171142-G-A.
Other names: c.3565C>T, p.Gln1189Ter (NM_001127892.2); short protein forms Q1189*, Q1286*.
Identifiers: ClinVar variation 3235206 (VCV003235206.2), dbSNP rs2506476542.

ClinVar aggregate classification (germline): Conflicting classifications of pathogenicity. Review status: criteria provided, conflicting classifications (1 of 4 stars). 2 submissions from 2 submitters: Likely pathogenic (1); Uncertain significance (1). Last evaluated 2024-12-02.

Conditions:
Townes-Brocks syndrome 1 (TBS1). Also called: SALL1-Related Townes-Brocks Syndrome; DEAFNESS, SENSORINEURAL, WITH IMPERFORATE ANUS AND THUMB ANOMALIES; REAR SYNDROME; RENAL-EAR-ANAL-RADIAL SYNDROME. Identifiers: Orphanet 857, MedGen C4551481, MONDO:0054581, OMIM 107480.

Allele frequency attached by ClinVar (database versions not stated): gnomAD exomes below 0.00001.

Submissions (2):

Genetics and Molecular Pathology, SA Pathology
Classification: Uncertain significance for Townes-Brocks syndrome 1. Last evaluated: 2024-12-02. Review status: criteria provided, single submitter. Criteria: ACMG Guidelines, 2015. Collection method: clinical testing. Allele origin: germline. Affected: yes.

MVZ Medizinische Genetik Mainz
Classification: Likely pathogenic for Townes-Brocks syndrome 1. Last evaluated: 2021-07-12. Review status: criteria provided, single submitter. Criteria: UK Practice Guidelines For Variant Classification V4 01 2020. Collection method: clinical testing. Allele origin: germline. Inheritance: Autosomal dominant inheritance. Affected: yes. Observed: 1 variant allele.
Comment: ACMG Criteria: PVS1, PM2_SUP (ACMG Version 3)